The following is an entry in ClinVar:

ClinVar aggregate classification (germline): Uncertain significance (1 of 4 stars; one submission).

Allele frequency attached by ClinVar (database versions not stated): ExAC 0.00001; gnomAD 0.00001; TOPMed 0.00001; ESP Exome Variant Server 0.00008.

Submission:

Ambry Genetics
Classification: Uncertain significance. Last evaluated: 2022-03-19. Review status: criteria provided, single submitter. Criteria: Ambry Variant Classification Scheme 2023. Collection method: clinical testing. Allele origin: germline.
Comment: The p.P1053L variant (also known as c.3158C>T), located in coding exon 27 of the PRKDC gene, results from a C to T substitution at nucleotide position 3158. The proline at codon 1053 is replaced by leucine, an amino acid with similar properties. This amino acid position is conserved. In addition, this alteration is predicted to be tolerated by in silico analysis. Since supporting evidence is limited at this time, the clinical significance of this alteration remains unclear.

NM_006904.7(PRKDC):c.3158C>T (p.Pro1053Leu)

Gene: PRKDC (protein kinase, DNA-activated, catalytic subunit; minus strand). Cytogenetic location: 8q11.21.
Variant type: single nucleotide variant.
Coding change: c.3158C>T on transcript NM_006904.7 (MANE Select); coding-DNA position 3158, C replaced by T.
Protein change: p.Pro1053Leu; replaces proline 1053 with leucine.
Molecular consequence: missense variant.
Genome position (GRCh38, 1-based): chr8:47,902,680, G>A on the plus strand (C>T on the coding strand, the complement: PRKDC is on the minus strand). VCF-style: chr8-47902680-G-A. GRCh37 (hg19) VCF-style: chr8-48815240-G-A.
Other names: c.3158C>T, p.Pro1053Leu (NM_001081640.2); short protein forms P1053L.
Identifiers: ClinVar variation 1728251 (VCV001728251.2), dbSNP rs376502403, ClinGen allele CA4741259.